The following is an entry in ClinVar:

NM_001134831.2(AHI1):c.1355del (p.Phe452fs)

Gene: AHI1 (Abelson helper integration site 1; minus strand). Cytogenetic location: 6q23.3.
Variant type: Deletion.
Coding change: c.1355del on transcript NM_001134831.2 (MANE Select); coding-DNA position 1355, one base deleted (T; older notation c.1355delT).
Protein change: p.Phe452fs; shifts the reading frame from phenylalanine 452.
Molecular consequence: frameshift variant.
Genome position (GRCh38, 1-based): chr6:135,453,426, A deleted on the plus strand (T on the coding strand, the reverse complement: AHI1 is on the minus strand); the first of 3 consecutive A bases (chr6:135,453,426-135,453,428); deleting any one gives the same sequence. VCF-style (leftmost placement, unchanged base first): chr6-135453425-GA-G. GRCh37 (hg19) VCF-style: chr6-135774563-GA-G.
Other names: c.1355delT (NM_017651.4); c.1355del, p.Phe452fs (NM_001134830.2, NM_001134832.2, NM_001350503.2 and 2 more transcripts); short protein forms F452fs.
Identifiers: ClinVar variation 461740 (VCV000461740.7), dbSNP rs1554208431, ClinGen allele CA658657628.
Genomic context (GRCh38, chr6:135,453,425, plus strand): 5'-CCGAAAGCCACATTCTTGGTTTTGAACCTCAGAATTATTCTTAATTTCATCCACGCTTAA[GA>G]AATCAAGAATCTGCAAATAAATTCACAGAAGACTAAGCTACCTAAAATTTAATATTTTCT-3'

ClinVar aggregate classification (germline): Pathogenic (1 of 4 stars; one submission).

Conditions:
Joubert syndrome. Also called: CEREBELLOPARENCHYMAL DISORDER IV; JOUBERT-BOLTSHAUSER SYNDROME; Familial aplasia of the vermis. Identifiers: Orphanet 475, MedGen C5979921, MONDO:0018772.

Submission:

Labcorp Genetics (formerly Invitae), Labcorp
Classification: Pathogenic for Joubert syndrome. Last evaluated: 2022-07-19. Review status: criteria provided, single submitter. Criteria: Invitae Variant Classification Sherloc (09022015). Collection method: clinical testing. Allele origin: germline.
Comment: For these reasons, this variant has been classified as Pathogenic. ClinVar contains an entry for this variant (Variation ID: 461740). This variant has not been reported in the literature in individuals affected with AHI1-related conditions. This variant is not present in population databases (gnomAD no frequency). This sequence change creates a premature translational stop signal (p.Phe452Serfs*2) in the AHI1 gene. It is expected to result in an absent or disrupted protein product. Loss-of-function variants in AHI1 are known to be pathogenic (PMID: 15322546, 16453322, 28442542, 29186038).

Literature cited by the submitters: PubMed 15322546; PubMed 16453322; PubMed 28442542; PubMed 29186038.